The following is an entry in ClinVar:

NM_004360.5(CDH1):c.137T>G (p.Leu46Arg)

Gene: CDH1 (cadherin 1; plus strand). Cytogenetic location: 16q22.1.
Variant type: single nucleotide variant.
Coding change: c.137T>G on transcript NM_004360.5 (MANE Select); coding-DNA position 137, T replaced by G.
Protein change: p.Leu46Arg; replaces leucine 46 with arginine.
Molecular consequence: missense variant. On other transcripts: 5 prime UTR variant (2).
Genome position (GRCh38, 1-based): chr16:68,738,385, T>G. VCF-style: chr16-68738385-T-G. GRCh37 (hg19) VCF-style: chr16-68772288-T-G.
Other names: c.137T>G, p.Leu46Arg (NM_001317184.2); c.-1479T>G (NM_001317185.2); c.-1683T>G (NM_001317186.2); short protein forms L46R.
Identifiers: ClinVar variation 2453317 (VCV002453317.2), dbSNP rs1555509778, ClinGen allele CA396452214.

ClinVar aggregate classification (germline): Uncertain significance (1 of 4 stars; one submission).

Conditions:
Hereditary cancer-predisposing syndrome. Also called: Neoplastic Syndromes, Hereditary; Tumor predisposition; Hereditary neoplastic syndrome; Hereditary Cancer Syndrome. Identifiers: Orphanet 140162, MedGen C0027672, MeSH D009386, MONDO:0015356.

Submission:

Ambry Genetics
Classification: Uncertain significance for Hereditary cancer-predisposing syndrome. Last evaluated: 2022-11-10. Review status: criteria provided, single submitter. Criteria: Ambry Variant Classification Scheme 2023. Collection method: clinical testing. Allele origin: germline.
Comment: The p.L46R variant (also known as c.137T>G), located in coding exon 2 of the CDH1 gene, results from a T to G substitution at nucleotide position 137. The leucine at codon 46 is replaced by arginine, an amino acid with dissimilar properties. This amino acid position is conserved. In addition, the in silico prediction for this alteration is inconclusive. Since supporting evidence is limited at this time, the clinical significance of this alteration remains unclear.